The following is an entry in ClinVar:

NM_002471.4(MYH6):c.5026G>A (p.Val1676Met)

Genes: MYH6 (myosin heavy chain 6; minus strand), LOC126861896 (BRD4-independent group 4 enhancer GRCh37_chr14:23854904-23856103; plus strand). Cytogenetic location: 14q11.2.
Variant type: single nucleotide variant.
Coding change: c.5026G>A on transcript NM_002471.4 (MANE Select); coding-DNA position 5026, G replaced by A.
Protein change: p.Val1676Met; replaces valine 1676 with methionine.
Molecular consequence: missense variant.
Genome position (GRCh38, 1-based): chr14:23,386,065, C>T on the plus strand (G>A on the coding strand, the complement: MYH6 is on the minus strand). VCF-style: chr14-23386065-C-T. GRCh37 (hg19) VCF-style: chr14-23855274-C-T.
Other names: short protein forms V1676M.
Identifiers: ClinVar variation 861577 (VCV000861577.16), dbSNP rs773755388, ClinGen allele CA7114565.

ClinVar aggregate classification (germline): Uncertain significance. Review status: criteria provided, multiple submitters, no conflicts (2 of 4 stars). 7 submissions from 7 submitters: Uncertain significance (5). 2 of the submissions do not count toward it. Last evaluated 2026-08-11.

Conditions:
Cardiovascular phenotype. Identifiers: MedGen CN230736.
Hypertrophic cardiomyopathy 14. Identifiers: MedGen C2750467, MONDO:0013197, OMIM 613251.
MYH6-related disorder. Also called: MYH6-Related Disorders; MYH6-related condition.

Allele frequency attached by ClinVar (database versions not stated): ExAC 0.00002; gnomAD exomes 0.00002; gnomAD 0.00004 and 0.00005; TOPMed 0.00008.
gnomAD v4.1: 65 of 1,614,118 alleles (0.004%); highest among the groups gnomAD compares: African/African-American, 0.017%; no homozygotes.

Submissions (7):

PreventionGenetics, part of Exact Sciences
Classification: Uncertain significance for MYH6-related condition. Last evaluated: 2026-08-11. Review status: criteria provided, single submitter. Criteria: ACMG Guidelines, 2015. Collection method: clinical testing. Allele origin: germline.
Comment: The MYH6 c.5026G>A variant is predicted to result in the amino acid substitution p.Val1676Met. This variant has been reported as a variant of uncertain significance in individuals with hypertrophic cardiomyopathy or noncompaction cardiomyopathy; however, no evidence was provided to support its pathogenicity (Online Table 3, van Waning et al. 2018. PubMed ID: 29447731; Online Supplementary File 2, van Lint et al. 2019. PubMed ID: 30847666; Kim et al. 2020. PubMed ID: 32492895). This variant is reported in 0.012% of alleles in individuals of African descent in gnomAD. At this time, the clinical significance of this variant is uncertain due to the absence of conclusive functional and genetic evidence.

Ambry Genetics
Classification: Uncertain significance for Cardiovascular phenotype. Last evaluated: 2025-11-22. Review status: criteria provided, single submitter. Criteria: Ambry Variant Classification Scheme 2023. Collection method: clinical testing. Allele origin: germline.
Comment: The p.V1676M variant (also known as c.5026G>A), located in coding exon 32 of the MYH6 gene, results from a G to A substitution at nucleotide position 5026. The valine at codon 1676 is replaced by methionine, an amino acid with highly similar properties. This variant has been detected in cohorts with or undergoing genetic testing for noncompaction cardiomyopathy and hypertrophic cardiomyopathy; however, details were limited (van Waning JI et al. J Am Coll Cardiol, 2018 Feb;71:711-722; van Lint FHM et al. Neth Heart J, 2019 Jun;27:304-309; Kim HY et al. J Clin Med, 2020 Jun;9). This amino acid position is well conserved in available vertebrate species. In addition, the in silico prediction for this alteration is inconclusive. Since supporting evidence is limited at this time, the clinical significance of this alteration remains unclear.

Labcorp Genetics (formerly Invitae), Labcorp
Classification: Uncertain significance for Hypertrophic cardiomyopathy 14. Last evaluated: 2025-06-11. Review status: criteria provided, single submitter. Criteria: Invitae Variant Classification Sherloc (09022015). Collection method: clinical testing. Allele origin: germline.
Comment: This sequence change replaces valine, which is neutral and non-polar, with methionine, which is neutral and non-polar, at codon 1676 of the MYH6 protein (p.Val1676Met). This variant is present in population databases (rs773755388, gnomAD 0.01%). This missense change has been observed in individual(s) with MYH6-related dominant conditions (PMID: 32492895). ClinVar contains an entry for this variant (Variation ID: 861577). Invitae Evidence Modeling of protein sequence and biophysical properties (such as structural, functional, and spatial information, amino acid conservation, physicochemical variation, residue mobility, and thermodynamic stability) indicates that this missense variant is not expected to disrupt MYH6 protein function with a negative predictive value of 80%. In summary, the available evidence is currently insufficient to determine the role of this variant in disease. Therefore, it has been classified as a Variant of Uncertain Significance.

GeneDx
Classification: Uncertain significance. Last evaluated: 2024-05-07. Review status: criteria provided, single submitter. Criteria: GeneDx Variant Classification Process June 2021. Collection method: clinical testing. Allele origin: germline. Affected: yes.
Comment: Has been reported in an individual with HCM (PMID: 32492895); In silico analysis indicates that this missense variant does not alter protein structure/function; This variant is associated with the following publications: (PMID: 32492895)

Blueprint Genetics
Classification: Uncertain significance. Last evaluated: 2024-02-09. Review status: criteria provided, single submitter. Criteria: ACMG Guidelines, 2015. Collection method: clinical testing. Allele origin: germline.

Clinical Genetics, Academic Medical Center
Classification: Uncertain significance. Review status: no assertion criteria provided. Collection method: clinical testing. Allele origin: germline. Affected: yes. Study: VKGL Data-share Consensus. Not counted in ClinVar's aggregate classification.

Diagnostic Laboratory, Department of Genetics, University Medical Center Groningen
Classification: Uncertain significance. Review status: no assertion criteria provided. Collection method: clinical testing. Allele origin: germline. Affected: yes. Study: VKGL Data-share Consensus. Not counted in ClinVar's aggregate classification.

Literature cited by the submitters: PubMed 29447731 (cited by Ambry Genetics); PubMed 30847666 (cited by Ambry Genetics); PubMed 32492895 (cited by Ambry Genetics and Labcorp Genetics (formerly Invitae), Labcorp).